The following is an entry in ClinVar:

NM_000629.3(IFNAR1):c.64T>G (p.Ser22Ala)

Genes: IFNAR1 (interferon alpha and beta receptor subunit 1; plus strand), LOC119230225 (IFNAR1 promoter region; plus strand). Cytogenetic location: 21q22.11.
Variant type: single nucleotide variant.
Coding change: c.64T>G on transcript NM_000629.3 (MANE Select); coding-DNA position 64, T replaced by G.
Protein change: p.Ser22Ala; replaces serine 22 with alanine.
Molecular consequence: missense variant. On other transcripts: 5 prime UTR variant (2), intron variant (1).
Genome position (GRCh38, 1-based): chr21:33,325,119, T>G. VCF-style: chr21-33325119-T-G. GRCh37 (hg19) VCF-style: chr21-34697424-T-G.
Other names: c.64T>G, p.Ser22Ala (NM_001384498.1, NM_001384499.1, NM_001384501.1 and 1 more transcripts); c.-723T>G (NM_001384500.1); c.-320T>G (NM_001384502.1); c.-132+481T>G (NM_001384504.1); short protein forms S22A.
Identifiers: ClinVar variation 2700396 (VCV002700396.3), dbSNP rs1026279976, ClinGen allele CA320129915.

ClinVar aggregate classification (germline): Uncertain significance (1 of 4 stars; one submission).

Submission:

Labcorp Genetics (formerly Invitae), Labcorp
Classification: Uncertain significance. Last evaluated: 2023-12-12. Review status: criteria provided, single submitter. Criteria: Invitae Variant Classification Sherloc (09022015). Collection method: clinical testing. Allele origin: germline.
Comment: This sequence change replaces serine, which is neutral and polar, with alanine, which is neutral and non-polar, at codon 22 of the IFNAR1 protein (p.Ser22Ala). This variant is not present in population databases (gnomAD no frequency). This variant has not been reported in the literature in individuals affected with IFNAR1-related conditions. An algorithm developed to predict the effect of missense changes on protein structure and function (PolyPhen-2) suggests that this variant is likely to be tolerated. In summary, the available evidence is currently insufficient to determine the role of this variant in disease. Therefore, it has been classified as a Variant of Uncertain Significance.